The following is an entry in ClinVar:

ClinVar aggregate classification (germline): Conflicting classifications of pathogenicity. Review status: criteria provided, conflicting classifications (1 of 4 stars). 2 submissions from 2 submitters: Likely pathogenic (1); Uncertain significance (1). Last evaluated 2025-10-15.

Conditions:
Charcot-Marie-Tooth disease dominant intermediate E. Also called: CHARCOT-MARIE-TOOTH NEUROPATHY WITH FOCAL SEGMENTAL GLOMERULONEPHRITIS. Identifiers: Orphanet 93114, MedGen C4302667, MONDO:0013758, OMIM 614455.
Focal segmental glomerulosclerosis 5 (FSGS5). Identifiers: Orphanet 656, MedGen C2750475, MONDO:0013191, OMIM 613237.

Submissions (2):

GeneDx
Classification: Likely pathogenic. Last evaluated: 2025-10-15. Review status: criteria provided, single submitter. Criteria: GeneDx Variant Classification Process June 2021. Collection method: clinical testing. Allele origin: germline.
Comment: Not observed at significant frequency in large population cohorts (gnomAD); In silico analysis supports that this missense variant has a deleterious effect on protein structure/function; Has not been previously published as pathogenic or benign to our knowledge; This variant is associated with the following publications: (PMID: 22965130)

Labcorp Genetics (formerly Invitae), Labcorp
Classification: Uncertain significance for Charcot-Marie-Tooth disease dominant intermediate E; Focal segmental glomerulosclerosis 5. Last evaluated: 2025-08-03. Review status: criteria provided, single submitter. Criteria: Invitae Variant Classification Sherloc (09022015). Collection method: clinical testing. Allele origin: germline.
Comment: This sequence change replaces leucine, which is neutral and non-polar, with arginine, which is basic and polar, at codon 74 of the INF2 protein (p.Leu74Arg). This variant is not present in population databases (gnomAD no frequency). This variant has not been reported in the literature in individuals affected with INF2-related conditions. ClinVar contains an entry for this variant (Variation ID: 572389). Invitae Evidence Modeling of protein sequence and biophysical properties (such as structural, functional, and spatial information, amino acid conservation, physicochemical variation, residue mobility, and thermodynamic stability) indicates that this missense variant is expected to disrupt INF2 protein function with a positive predictive value of 95%. In summary, the available evidence is currently insufficient to determine the role of this variant in disease. Therefore, it has been classified as a Variant of Uncertain Significance.

NM_022489.4(INF2):c.221T>G (p.Leu74Arg)

Gene: INF2 (inverted formin 2; plus strand). Cytogenetic location: 14q32.33.
Variant type: single nucleotide variant.
Coding change: c.221T>G on transcript NM_022489.4 (MANE Select); coding-DNA position 221, T replaced by G.
Protein change: p.Leu74Arg; replaces leucine 74 with arginine.
Molecular consequence: missense variant.
Genome position (GRCh38, 1-based): chr14:104,701,586, T>G. VCF-style: chr14-104701586-T-G. GRCh37 (hg19) VCF-style: chr14-105167923-T-G.
Other names: c.221T>G, p.Leu74Arg (NM_001031714.4, NM_032714.3); short protein forms L74R.
Identifiers: ClinVar variation 572389 (VCV000572389.10), dbSNP rs1566777566, ClinGen allele CA391225536.